The following is an entry in ClinVar:

ClinVar aggregate classification (germline): Conflicting classifications of pathogenicity. Review status: criteria provided, conflicting classifications (1 of 4 stars). 3 submissions from 3 submitters: Uncertain significance (2); Likely benign (1). Last evaluated 2026-08-07.

Conditions:
MAGEL2-related disorder. Also called: MAGEL2-related condition.

Allele frequency attached by ClinVar (database versions not stated): gnomAD exomes 0.00002 and 0.00005; ExAC 0.00004; gnomAD 0.00005 and 0.00006; TOPMed 0.00005.
gnomAD v4.1: 38 of 1,590,076 alleles (0.0024%); highest among the groups gnomAD compares: Admixed American, 0.014%; no homozygotes.

Submissions (3):

PreventionGenetics, part of Exact Sciences
Classification: Uncertain significance for MAGEL2-related condition. Last evaluated: 2026-08-07. Review status: criteria provided, single submitter. Criteria: ACMG Guidelines, 2015. Collection method: clinical testing. Allele origin: germline.
Comment: The MAGEL2 c.3746G>A variant is predicted to result in the amino acid substitution p.Arg1249His. To our knowledge, this variant has not been reported in the literature. This variant is reported in 0.018% of alleles in individuals of Latino descent in gnomAD, which is more common than expected for an unreported cause of disease. Although we suspect this variant may be benign, at this time, the clinical significance of this variant is uncertain due to the absence of conclusive functional and genetic evidence.

Labcorp Genetics (formerly Invitae), Labcorp
Classification: Uncertain significance. Last evaluated: 2023-08-28. Review status: criteria provided, single submitter. Criteria: Invitae Variant Classification Sherloc (09022015). Collection method: clinical testing. Allele origin: germline.
Comment: This variant is present in population databases (rs745776063, gnomAD 0.02%). In summary, the available evidence is currently insufficient to determine the role of this variant in disease. Therefore, it has been classified as a Variant of Uncertain Significance. Algorithms developed to predict the effect of missense changes on protein structure and function output the following: SIFT: "Not Available"; PolyPhen-2: "Not Available"; Align-GVGD: "Not Available". The histidine amino acid residue is found in multiple mammalian species, which suggests that this missense change does not adversely affect protein function. ClinVar contains an entry for this variant (Variation ID: 235292). This variant has not been reported in the literature in individuals affected with MAGEL2-related conditions. This sequence change replaces arginine, which is basic and polar, with histidine, which is basic and polar, at codon 1249 of the MAGEL2 protein (p.Arg1249His).

Center for Pediatric Genomic Medicine, Children's Mercy Hospital and Clinics
Classification: Likely benign. Last evaluated: 2016-05-10. Review status: criteria provided, single submitter. Criteria: ACMG Guidelines, 2015. Collection method: clinical testing. Allele origin: germline.
ClinVar note: Converted during submission from Likely Benign to Likely benign.

NM_019066.5(MAGEL2):c.3746G>A (p.Arg1249His)

Gene: MAGEL2 (MAGE family member L2; minus strand). Cytogenetic location: 15q11.2.
Variant type: single nucleotide variant.
Coding change: c.3746G>A on transcript NM_019066.5 (MANE Select); coding-DNA position 3746, G replaced by A.
Protein change: p.Arg1249His; replaces arginine 1249 with histidine.
Molecular consequence: missense variant.
Genome position (GRCh38, 1-based): chr15:23,643,997, C>T on the plus strand (G>A on the coding strand, the complement: MAGEL2 is on the minus strand). VCF-style: chr15-23643997-C-T. GRCh37 (hg19) VCF-style: chr15-23889144-C-T.
Other names: c.3746G>A (NM_019066.4); short protein forms R1249H.
Identifiers: ClinVar variation 235292 (VCV000235292.10), dbSNP rs745776063, ClinGen allele CA7429642.
Genomic context (GRCh38, chr15:23,643,997, plus strand): 5'-CCCTGTCAGTGGCCTCTGGCCAGGGAAACACAGGAGCGAGATCTCTGCTACACCTATTAG[C>T]GGGGAGGGGGCCTGCTGGTGGGGCCGTGGGCACTGTCACCGGTGTCAGGTTCATCCTCAT-3'
Protein context (NP_061939.3, residues 1239-1249): AHGPTSRPPP[Arg1249His]